The following is an entry in ClinVar:

NM_001386140.1(MTTP):c.582C>A (p.Cys194Ter)

Gene: MTTP (microsomal triglyceride transfer protein; plus strand). Cytogenetic location: 4q23.
Variant type: single nucleotide variant.
Coding change: c.582C>A on transcript NM_001386140.1 (MANE Select); coding-DNA position 582, C replaced by A.
Protein change: p.Cys194Ter; replaces cysteine 194 with a stop codon.
Molecular consequence: nonsense.
Genome position (GRCh38, 1-based): chr4:99,591,315, C>A. VCF-style: chr4-99591315-C-A. GRCh37 (hg19) VCF-style: chr4-100512472-C-A.
Other names: c.582C>A, p.Cys194Ter (NM_000253.4); c.333C>A, p.Cys111Ter (NM_001300785.2); short protein forms C111*, C194*.
Identifiers: ClinVar variation 5010591 (VCV005010591.1).
Genomic context (GRCh38, chr4:99,591,315, plus strand): 5'-TAAAGTGACCTACCAGGCTCATCAAGACAAAGTGATCAAAATTAAGGCCTTGGATTCATG[C>A]AAAATAGCGAGGTCTGGATTTACGACCCCAAATCAGGTATGATAGATGTCACTTTCTTTG-3'

ClinVar aggregate classification (germline): Pathogenic (1 of 4 stars; one submission).

Conditions:
Abetalipoproteinaemia (ABL). Also called: MTP DEFICIENCY; Abetalipoproteinemia; Abetalipoproteinemia neuropathy; Apolipoprotein B deficiency; Congenital betalipoprotein deficiency syndrome. Identifiers: Orphanet 14, MedGen C0000744, MONDO:0008692, OMIM 200100, HP:0008181.

Submission:

Myriad Genetics, Inc.
Classification: Pathogenic for Abetalipoproteinaemia. Last evaluated: 2024-05-14. Review status: criteria provided, single submitter. Criteria: Myriad Autosomal Dominant, Autosomal Recessive and X-Linked Classification Criteria (2023). Collection method: clinical testing. Allele origin: unknown.
Comment: NM_000253.2(MTTP):c.582C>A(C194*) is expected to be pathogenic in the context of abetalipoproteinemia. This variant is predicted to lead to an abnormal or absent protein product due to the creation of a premature termination codon in MTTP, a gene where loss-of-function variants are known to be pathogenic. Please note: this variant was assessed in the context of healthy population screening.